The following is an entry in ClinVar:

ClinVar aggregate classification (germline): VUS-mid (1 of 4 stars; one submission).

Conditions:
Methylmalonic acidemia with homocystinuria, type cblX (MAHCX). Also called: INTELLECTUAL DEVELOPMENTAL DISORDER, X-LINKED 3. Identifiers: Orphanet 369962, MedGen C0796208, MONDO:0010657, OMIM 309541.

Submission:

Clinical Research Development Center, Iran University of Medical Sciences (IUMS)
Classification: VUS-mid for Methylmalonic acidemia with homocystinuria, type cblX. Last evaluated: 2026-06-21. Review status: criteria provided, single submitter. Criteria: ACMG Guidelines, 2015. Collection method: clinical testing. Allele origin: germline. Affected: yes.
Comment: The c.847G>A variant in HCFC1was absent from large population studies (PM2). ). Computational prediction tools like PolyPhen, MutationTaster, and PHRED score support a deleterious effect of this variation (PP3).

Literature cited by the submitters: PubMed 24011988.

NM_005334.3(HCFC1):c.847G>A (p.Val283Met)

Gene: HCFC1 (host cell factor C1; minus strand). Cytogenetic location: Xq28.
Variant type: single nucleotide variant.
Coding change: c.847G>A on transcript NM_005334.3 (MANE Select); coding-DNA position 847, G replaced by A.
Protein change: p.Val283Met; replaces valine 283 with methionine.
Molecular consequence: missense variant.
Genome position (GRCh38, 1-based): chrX:153,961,599, C>T on the plus strand (G>A on the coding strand, the complement: HCFC1 is on the minus strand). VCF-style: chrX-153961599-C-T. GRCh37 (hg19) VCF-style: chrX-153227050-C-T.
Other names: c.847G>A, p.Val283Met (NM_001410705.1, NM_001440843.1, NM_001440844.1 and 7 more transcripts); short protein forms V283M.
Identifiers: ClinVar variation 4857212 (VCV004857212.1).